The following is an entry in ClinVar:

ClinVar aggregate classification (germline): Uncertain significance (1 of 4 stars; one submission).

Conditions:
CSF2RA-related disorder. Also called: CSF2RA-related condition.

gnomAD v4.1: 12 of 1,613,936 alleles (0.00074%); highest among the groups gnomAD compares: South Asian, 0.012%; no homozygotes.

Submission:

PreventionGenetics, part of Exact Sciences
Classification: Uncertain significance for CSF2RA-related condition. Last evaluated: 2025-11-30. Review status: criteria provided, single submitter. Criteria: ACMG Guidelines, 2015. Collection method: clinical testing. Allele origin: germline.
Comment: The CSF2RA c.885G>T variant is predicted to result in the amino acid substitution p.Lys295Asn. To our knowledge, this variant has not been reported in the literature. This variant is reported in 0.0098% of alleles in individuals of South Asian descent in gnomAD. At this time, the clinical significance of this variant is uncertain due to the absence of conclusive functional and genetic evidence.

NM_172245.4(CSF2RA):c.885G>T (p.Lys295Asn)

Gene: CSF2RA (colony stimulating factor 2 receptor subunit alpha; plus strand). Cytogenetic location: Xp22.33.
Variant type: single nucleotide variant.
Coding change: c.885G>T on transcript NM_172245.4 (MANE Select); coding-DNA position 885, G replaced by T.
Protein change: p.Lys295Asn; replaces lysine 295 with asparagine.
Molecular consequence: missense variant. On other transcripts: intron variant (2).
Genome position (GRCh38, 1-based): chrX:1,300,565, G>T. VCF-style: chrX-1300565-G-T. GRCh37 (hg19) VCF-style: chrX-1419458-G-T.
Other names: c.885G>T, p.Lys295Asn (NM_001161529.2, NM_001161530.2, NM_001161531.2 and 17 more transcripts); c.486G>T, p.Lys162Asn (NM_001161532.2); c.855G>T, p.Lys285Asn (NM_001379160.1); c.647-4881G>T (NM_172249.4); c.854+1500G>T (NM_001379166.1); short protein forms K285N, K162N, K295N.
Identifiers: ClinVar variation 4982761 (VCV004982761.1).